The following is an entry in ClinVar:

NM_006086.4(TUBB3):c.1282G>A (p.Ala428Thr)

Gene: TUBB3 (tubulin beta 3 class III; plus strand). Cytogenetic location: 16q24.3.
Variant type: single nucleotide variant.
Coding change: c.1282G>A on transcript NM_006086.4 (MANE Select); coding-DNA position 1282, G replaced by A.
Protein change: p.Ala428Thr; replaces alanine 428 with threonine.
Molecular consequence: missense variant.
Genome position (GRCh38, 1-based): chr16:89,935,733, G>A. VCF-style: chr16-89935733-G-A. GRCh37 (hg19) VCF-style: chr16-90002141-G-A.
Other names: c.1066G>A, p.Ala356Thr (NM_001197181.2); short protein forms A356T, A428T.
Identifiers: ClinVar variation 3368022 (VCV003368022.2).

ClinVar aggregate classification (germline): Uncertain significance (1 of 4 stars; one submission).

Submission:

GeneDx
Classification: Uncertain significance. Last evaluated: 2026-02-17. Review status: criteria provided, single submitter. Criteria: GeneDx Variant Classification Process June 2021. Collection method: clinical testing. Allele origin: germline.
Comment: Not observed at significant frequency in large population cohorts (gnomAD); Missense variants in this gene are a common cause of disease and they are underrepresented in the general population; In silico analysis suggests that this missense variant does not alter protein structure/function; Has not been previously published as pathogenic or benign to our knowledge; This variant is associated with the following publications: (PMID: 20829227)